The following is an entry in ClinVar:

ClinVar aggregate classification (germline): Likely benign (0 of 4 stars; one submission).

Conditions:
SLC4A5-related disorder. Also called: SLC4A5-related condition.

Allele frequency attached by ClinVar (database versions not stated): gnomAD exomes 0.00010; ExAC 0.00023.
gnomAD v4.1: 159 of 1,613,844 alleles (0.0099%); highest among the groups gnomAD compares: South Asian, 0.16%; 1 homozygote.

Submission:

PreventionGenetics, part of Exact Sciences
Classification: Likely benign for SLC4A5-related condition. Last evaluated: 2019-06-21. Review status: no assertion criteria provided. Collection method: clinical testing. Allele origin: germline.
Comment: This variant is classified as likely benign based on ACMG/AMP sequence variant interpretation guidelines (Richards et al. 2015 PMID: 25741868, with internal and published modifications).

NM_133478.3(SLC4A5):c.2622G>C (p.Leu874=)

Gene: SLC4A5 (solute carrier family 4 member 5; minus strand). Cytogenetic location: 2p13.1.
Variant type: single nucleotide variant.
Coding change: c.2622G>C on transcript NM_133478.3 (MANE Select); coding-DNA position 2622, G replaced by C.
Protein change: p.Leu874=; no amino-acid change (leucine 874 retained).
Molecular consequence: synonymous variant.
Genome position (GRCh38, 1-based): chr2:74,232,621, C>G on the plus strand (G>C on the coding strand, the complement: SLC4A5 is on the minus strand). VCF-style: chr2-74232621-C-G. GRCh37 (hg19) VCF-style: chr2-74459748-C-G.
Other names: c.2274G>C, p.Leu758= (NM_001386136.1); c.2622G>C, p.Leu874= (NM_021196.3).
Identifiers: ClinVar variation 3043334 (VCV003043334.2), dbSNP rs374679448, ClinGen allele CA1720398.